The following is an entry in ClinVar:

ClinVar aggregate classification (germline): Likely benign. Review status: criteria provided, multiple submitters, no conflicts (2 of 4 stars). 5 submissions from 5 submitters: Likely benign (5). Last evaluated 2026-10-01.

Conditions:
Familial focal epilepsy with variable foci (FPEVF). Identifiers: Orphanet 98820, MedGen C1858477, MONDO:0020310.
Inborn genetic diseases. Identifiers: MedGen C0950123, MeSH D030342.

Allele frequency attached by ClinVar (database versions not stated): gnomAD exomes 0.00023 and 0.00056; TOPMed 0.00025; gnomAD 0.00027 and 0.00028; ExAC 0.00031; ESP Exome Variant Server 0.00059.
gnomAD v4.1: 840 of 1,613,692 alleles (0.052%); highest among the groups gnomAD compares: Non-Finnish European, 0.068%; no homozygotes.

Submissions (5):

CeGaT Center for Human Genetics Tuebingen
Classification: Likely benign. Last evaluated: 2026-10-01. Review status: criteria provided, single submitter. Criteria: CeGaT Center For Human Genetics Tuebingen Variant Classification Criteria Version 2. Collection method: clinical testing. Allele origin: germline. Affected: yes. Observed: 6 variant alleles.
Comment: DEPDC5: BP4, BP7

Labcorp Genetics (formerly Invitae), Labcorp
Classification: Likely benign for Familial focal epilepsy with variable foci. Last evaluated: 2026-01-23. Review status: criteria provided, single submitter. Criteria: Invitae Variant Classification Sherloc (09022015). Collection method: clinical testing. Allele origin: germline.

Blueprint Genetics
Classification: Likely benign. Last evaluated: 2024-09-07. Review status: criteria provided, single submitter. Criteria: ACMG Guidelines, 2015. Collection method: clinical testing. Allele origin: germline.

GeneDx
Classification: Likely benign. Last evaluated: 2020-06-23. Review status: criteria provided, single submitter. Criteria: GeneDx Variant Classification Process June 2021. Collection method: clinical testing. Allele origin: germline. Affected: yes.

Ambry Genetics
Classification: Likely benign for Inborn genetic diseases. Last evaluated: 2016-08-09. Review status: criteria provided, single submitter. Criteria: Ambry Variant Classification Scheme 2023. Collection method: clinical testing. Allele origin: germline.

NM_001242896.3(DEPDC5):c.1290C>T (p.Pro430=)

Gene: DEPDC5 (DEP domain containing 5, GATOR1 subcomplex subunit; plus strand). Cytogenetic location: 22q12.3.
Variant type: single nucleotide variant.
Coding change: c.1290C>T on transcript NM_001242896.3 (MANE Select); coding-DNA position 1290, C replaced by T.
Protein change: p.Pro430=; no amino-acid change (proline 430 retained).
Molecular consequence: synonymous variant. On other transcripts: non-coding transcript variant (5).
Genome position (GRCh38, 1-based): chr22:31,809,613, C>T. VCF-style: chr22-31809613-C-T. GRCh37 (hg19) VCF-style: chr22-32205599-C-T.
Other names: c.1290C>T, p.Pro430= (NM_001007188.4, NM_001136029.4, NM_001242897.2 and 7 more transcripts); c.1206C>T, p.Pro402= (NM_001369901.1, NM_001369902.1).
Identifiers: ClinVar variation 444584 (VCV000444584.59), dbSNP rs201202102, ClinGen allele CA10196318.